The following is an entry in ClinVar:

NM_080680.3(COL11A2):c.1363C>T (p.Arg455Trp)

Gene: COL11A2 (collagen type XI alpha 2 chain; minus strand). Cytogenetic location: 6p21.32.
Variant type: single nucleotide variant.
Coding change: c.1363C>T on transcript NM_080680.3 (MANE Select); coding-DNA position 1363, C replaced by T.
Protein change: p.Arg455Trp; replaces arginine 455 with tryptophan.
Molecular consequence: missense variant.
Genome position (GRCh38, 1-based): chr6:33,179,802, G>A on the plus strand (C>T on the coding strand, the complement: COL11A2 is on the minus strand). VCF-style: chr6-33179802-G-A. GRCh37 (hg19) VCF-style: chr6-33147579-G-A.
Other names: c.1042C>T, p.Arg348Trp (NM_080679.3); c.1105C>T, p.Arg369Trp (NM_080681.3); short protein forms R455W, R369W, R348W.
Identifiers: ClinVar variation 444674 (VCV000444674.54), dbSNP rs144862714, ClinGen allele CA3751372.

ClinVar aggregate classification (germline): Conflicting classifications of pathogenicity. Review status: criteria provided, conflicting classifications (1 of 4 stars). 5 submissions from 5 submitters: Uncertain significance (4); Likely benign (1). Last evaluated 2026-05-13.

Conditions:
COL11A2-related disorder. Also called: COL11A2-related condition; COL11A2-related disorders.

Allele frequency attached by ClinVar (database versions not stated): gnomAD 0.00003; gnomAD exomes 0.00009; TOPMed 0.00010; ExAC 0.00012; 1000 Genomes Project 30x 0.00016; 1000 Genomes Project 0.00020; ESP Exome Variant Server 0.00023.
gnomAD v4.1: 89 of 1,610,772 alleles (0.0055%); highest among the groups gnomAD compares: Admixed American, 0.015%; no homozygotes.

Submissions (5):

PreventionGenetics, part of Exact Sciences
Classification: Uncertain significance for COL11A2-related condition. Last evaluated: 2026-05-13. Review status: criteria provided, single submitter. Criteria: ACMG Guidelines, 2015. Collection method: clinical testing. Allele origin: germline.
Comment: The COL11A2 c.1363C>T variant is predicted to result in the amino acid substitution p.Arg455Trp. This variant was reported in an individual with micrognathia (described as E13+4C>T, Melkoniemi et al. 2003. PubMed ID: 1267328) and in a patient with joint hypermobility (Table S3, Leone et al. 2023. PubMed ID: 37079061). This variant is reported in 0.020% of alleles in individuals of Latino descent in gnomAD. At this time, the clinical significance of this variant is uncertain due to the absence of conclusive functional and genetic evidence.

Labcorp Genetics (formerly Invitae), Labcorp
Classification: Likely benign. Last evaluated: 2025-12-24. Review status: criteria provided, single submitter. Criteria: Invitae Variant Classification Sherloc (09022015). Collection method: clinical testing. Allele origin: germline.

ARUP Laboratories, Molecular Genetics and Genomics, ARUP Laboratories
Classification: Uncertain significance. Last evaluated: 2024-02-16. Review status: criteria provided, single submitter. Criteria: ARUP Molecular Germline Variant Investigation Process 2024. Collection method: clinical testing. Allele origin: germline.
Comment: The COL11A2 c.1363C>T; p.Arg455Trp variant (rs144862714), also published as E13+4C>T, is reported in the literature in several individuals affected with micrognathia or syndromic joint hypermobility, although the variant was not demonstrated to be disease-causing in these individuals (Leone 2023, Melkoniemi 2003). This variant is found in the general population with an overall allele frequency of 0.009% (24/279,576 alleles) in the Genome Aggregation Database (v2.1.1). Computational analyses predict that this variant is deleterious (REVEL: 0.885). Due to limited information, the clinical significance of this variant is uncertain at this time. References: Leone MP et al. Specifications and validation of the ACMG/AMP criteria for clinical interpretation of sequence variants in collagen genes associated with joint hypermobility. Hum Genet. 2023 Jun;142(6):785-808. PMID: 37079061. Melkoniemi M et al. Collagen XI sequence variations in nonsyndromic cleft palate, Robin sequence and micrognathia. Eur J Hum Genet. 2003 Mar;11(3):265-70. PMID: 12673280.

GeneDx
Classification: Uncertain significance. Last evaluated: 2023-11-21. Review status: criteria provided, single submitter. Criteria: GeneDx Variant Classification Process June 2021. Collection method: clinical testing. Allele origin: germline. Affected: yes.
Comment: Reported as E13+4 C>T in a patient with micrognathia and early onset osteoarthritis in the published literature (PMID: 12673280); At the protein level, in silico analysis supports that this missense variant has a deleterious effect on protein structure/function; At the mRNA level, in silico analysis suggests this variant may impact gene splicing. In the absence of RNA/functional studies, the actual effect of this sequence change is unknown; This variant is associated with the following publications: (PMID: 12673280)

CeGaT Center for Human Genetics Tuebingen
Classification: Uncertain significance. Last evaluated: 2017-05-01. Review status: criteria provided, single submitter. Criteria: CeGaT Center For Human Genetics Tuebingen Variant Classification Criteria Version 2. Collection method: clinical testing. Allele origin: germline. Affected: yes. Observed: 1 variant allele.